The following is an entry in ClinVar:

NM_015214.3(DDHD2):c.1168C>A (p.Leu390Ile)

Gene: DDHD2 (DDHD domain containing 2; plus strand). Cytogenetic location: 8p11.23.
Variant type: single nucleotide variant.
Coding change: c.1168C>A on transcript NM_015214.3 (MANE Select); coding-DNA position 1168, C replaced by A.
Protein change: p.Leu390Ile; replaces leucine 390 with isoleucine.
Molecular consequence: missense variant. On other transcripts: non-coding transcript variant (2).
Genome position (GRCh38, 1-based): chr8:38,247,755, C>A. VCF-style: chr8-38247755-C-A. GRCh37 (hg19) VCF-style: chr8-38105273-C-A.
Other names: c.1168C>A, p.Leu390Ile (NM_001164232.2, NM_001362911.2, NM_001362912.2 and 1 more transcripts); c.1078C>A, p.Leu360Ile (NM_001362913.2); short protein forms L360I, L390I.
Identifiers: ClinVar variation 1957873 (VCV001957873.2), dbSNP rs142190071, ClinGen allele CA4716178.

ClinVar aggregate classification (germline): Uncertain significance (1 of 4 stars; one submission).

Conditions:
Hereditary spastic paraplegia 54. Also called: Spastic paraplegia 54, autosomal recessive. Identifiers: Orphanet 320380, MedGen C3539495, MONDO:0014018, OMIM 615033.

Allele frequency attached by ClinVar (database versions not stated): 1000 Genomes Project 30x 0.00016.
gnomAD v4.1: 188 of 1,574,176 alleles (0.012%); highest among the groups gnomAD compares: East Asian, 0.43%; 1 homozygote.

Submission:

Labcorp Genetics (formerly Invitae), Labcorp
Classification: Uncertain significance for Hereditary spastic paraplegia 54. Last evaluated: 2022-05-08. Review status: criteria provided, single submitter. Criteria: Invitae Variant Classification Sherloc (09022015). Collection method: clinical testing. Allele origin: germline.
Comment: This sequence change replaces leucine, which is neutral and non-polar, with isoleucine, which is neutral and non-polar, at codon 390 of the DDHD2 protein (p.Leu390Ile). This variant is present in population databases (rs142190071, gnomAD 0.09%). This variant has not been reported in the literature in individuals affected with DDHD2-related conditions. Algorithms developed to predict the effect of missense changes on protein structure and function output the following: SIFT: "Tolerated"; PolyPhen-2: "Benign"; Align-GVGD: "Class C0". The isoleucine amino acid residue is found in multiple mammalian species, which suggests that this missense change does not adversely affect protein function. In summary, the available evidence is currently insufficient to determine the role of this variant in disease. Therefore, it has been classified as a Variant of Uncertain Significance.